The following is an entry in ClinVar:

NM_175875.5(SIX5):c.1963C>T (p.Leu655=)

Gene: SIX5 (SIX homeobox 5; minus strand). Cytogenetic location: 19q13.32.
Variant type: single nucleotide variant.
Coding change: c.1963C>T on transcript NM_175875.5 (MANE Select); coding-DNA position 1963, C replaced by T.
Protein change: p.Leu655=; no amino-acid change (leucine 655 retained).
Molecular consequence: synonymous variant.
Genome position (GRCh38, 1-based): chr19:45,765,758, G>A on the plus strand (C>T on the coding strand, the complement: SIX5 is on the minus strand). VCF-style: chr19-45765758-G-A. GRCh37 (hg19) VCF-style: chr19-46269016-G-A.
Identifiers: ClinVar variation 708639 (VCV000708639.38), dbSNP rs151072042, ClinGen allele CA9520458.

ClinVar aggregate classification (germline): Benign/Likely benign. Review status: criteria provided, multiple submitters, no conflicts (2 of 4 stars). 9 submissions from 9 submitters: Benign (4); Likely benign (2). 3 of the submissions do not count toward it. Last evaluated 2025-12-13.

Conditions:
Branchiootorenal syndrome 2 (BOR2). Identifiers: Orphanet 107, MedGen C1970479, MONDO:0012575, OMIM 610896.
SIX5-related disorder. Also called: SIX5-related condition.

Allele frequency attached by ClinVar (database versions not stated): gnomAD exomes 0.00036 and 0.00084; ExAC 0.00098; ESP Exome Variant Server 0.00239; gnomAD 0.00291 and 0.00312; TOPMed 0.00347; 1000 Genomes Project 0.00379; 1000 Genomes Project 30x 0.00406.
gnomAD v4.1: 1,002 of 1,610,662 alleles (0.062%); highest among the groups gnomAD compares: African/African-American, 1.1%; 10 homozygotes.

Submissions (9):

Labcorp Genetics (formerly Invitae), Labcorp
Classification: Benign. Last evaluated: 2025-12-13. Review status: criteria provided, single submitter. Criteria: Invitae Variant Classification Sherloc (09022015). Collection method: clinical testing. Allele origin: germline.

Blueprint Genetics
Classification: Likely benign. Last evaluated: 2024-10-23. Review status: criteria provided, single submitter. Criteria: ACMG Guidelines, 2015. Collection method: clinical testing. Allele origin: germline.

CeGaT Center for Human Genetics Tuebingen
Classification: Benign. Last evaluated: 2023-07-01. Review status: criteria provided, single submitter. Criteria: CeGaT Center For Human Genetics Tuebingen Variant Classification Criteria Version 2. Collection method: clinical testing. Allele origin: germline. Affected: yes. Observed: 1 variant allele.
Comment: SIX5: BP4, BP7, BS1, BS2

Fulgent Genetics
Classification: Likely benign for Branchiootorenal syndrome 2. Last evaluated: 2021-08-26. Review status: criteria provided, single submitter. Criteria: ACMG Guidelines, 2015. Collection method: clinical testing. Allele origin: unknown.

GeneDx
Classification: Benign. Last evaluated: 2019-08-07. Review status: criteria provided, single submitter. Criteria: GeneDx Variant Classification Process June 2021. Collection method: clinical testing. Allele origin: germline. Affected: yes.

Breakthrough Genomics
Classification: Benign. Review status: criteria provided, single submitter. Criteria: ACMG Guidelines, 2015. Collection method: not provided. Allele origin: germline. Inheritance: Unknown mechanism. Affected: yes.

PreventionGenetics, part of Exact Sciences
Classification: Benign for SIX5-related condition. Last evaluated: 2019-08-07. Review status: no assertion criteria provided. Collection method: clinical testing. Allele origin: germline. Not counted in ClinVar's aggregate classification.
Comment: This variant is classified as benign based on ACMG/AMP sequence variant interpretation guidelines (Richards et al. 2015 PMID: 25741868, with internal and published modifications).

Clinical Genetics DNA and cytogenetics Diagnostics Lab, Erasmus MC, Erasmus Medical Center
Classification: Benign. Review status: no assertion criteria provided. Collection method: clinical testing. Allele origin: germline. Affected: yes. Study: VKGL Data-share Consensus. Not counted in ClinVar's aggregate classification.

Genome Diagnostics Laboratory, University Medical Center Utrecht
Classification: Benign. Review status: no assertion criteria provided. Collection method: clinical testing. Allele origin: germline. Affected: yes. Study: VKGL Data-share Consensus. Not counted in ClinVar's aggregate classification.